The following is an entry in ClinVar:

NM_001010867.4(IBA57):c.215G>C (p.Gly72Ala)

Gene: IBA57 (iron-sulfur cluster assembly factor IBA57; plus strand). Cytogenetic location: 1q42.13.
Variant type: single nucleotide variant.
Coding change: c.215G>C on transcript NM_001010867.4 (MANE Select); coding-DNA position 215, G replaced by C.
Protein change: p.Gly72Ala; replaces glycine 72 with alanine.
Molecular consequence: missense variant.
Genome position (GRCh38, 1-based): chr1:228,166,031, G>C. VCF-style: chr1-228166031-G-C. GRCh37 (hg19) VCF-style: chr1-228353732-G-C.
Other names: short protein forms G72A.
Identifiers: ClinVar variation 574590 (VCV000574590.6), dbSNP rs1420144150, ClinGen allele CA345105691.

ClinVar aggregate classification (germline): Uncertain significance (1 of 4 stars; one submission).

Conditions:
Hereditary spastic paraplegia 74. Also called: Spastic paraplegia 74, autosomal recessive. Identifiers: Orphanet 468661, MedGen C5568837, MONDO:0014644, OMIM 616451.
Multiple mitochondrial dysfunctions syndrome 3 (MMDS3). Identifiers: Orphanet 363424, MedGen C3809165, MONDO:0014132, OMIM 615330.

Submission:

Labcorp Genetics (formerly Invitae), Labcorp
Classification: Uncertain significance for Multiple mitochondrial dysfunctions syndrome 3; Hereditary spastic paraplegia 74. Last evaluated: 2022-07-26. Review status: criteria provided, single submitter. Criteria: Invitae Variant Classification Sherloc (09022015). Collection method: clinical testing. Allele origin: germline.
Comment: This sequence change replaces glycine, which is neutral and non-polar, with alanine, which is neutral and non-polar, at codon 72 of the IBA57 protein (p.Gly72Ala). This variant is not present in population databases (gnomAD no frequency). This variant has not been reported in the literature in individuals affected with IBA57-related conditions. ClinVar contains an entry for this variant (Variation ID: 574590). Algorithms developed to predict the effect of missense changes on protein structure and function are either unavailable or do not agree on the potential impact of this missense change (SIFT: "Deleterious"; PolyPhen-2: "Probably Damaging"; Align-GVGD: "Class C0"). In summary, the available evidence is currently insufficient to determine the role of this variant in disease. Therefore, it has been classified as a Variant of Uncertain Significance.